The following is an entry in ClinVar:

ClinVar aggregate classification (germline): Benign/Likely benign. Review status: criteria provided, multiple submitters, no conflicts (2 of 4 stars). 2 submissions from 2 submitters: Benign (1); Likely benign (1). Last evaluated 2025-12-08.

Conditions:
Hereditary spastic paraplegia 31. Also called: SPASTIC PARAPLEGIA 31, AUTOSOMAL DOMINANT. Identifiers: Orphanet 101011, MedGen C1853247, MONDO:0012453, OMIM 610250.

Allele frequency attached by ClinVar (database versions not stated): gnomAD 0.00004 and 0.00050; TOPMed 0.00010; gnomAD exomes 0.00226; 1000 Genomes Project 0.00319; 1000 Genomes Project 30x 0.00390; ExAC 0.01728.
gnomAD v4.1: 463 of 1,267,082 alleles (0.037%); highest among the groups gnomAD compares: South Asian, 1.1%; 6 homozygotes.

Submissions (2):

Labcorp Genetics (formerly Invitae), Labcorp
Classification: Benign for Hereditary spastic paraplegia 31. Last evaluated: 2025-12-08. Review status: criteria provided, single submitter. Criteria: Invitae Variant Classification Sherloc (09022015). Collection method: clinical testing. Allele origin: germline.

GeneDx
Classification: Likely benign. Last evaluated: 2016-11-10. Review status: criteria provided, single submitter. Criteria: GeneDx Variant Classification (06012015). Collection method: clinical testing. Allele origin: germline. Affected: yes.
Comment: This variant is considered likely benign or benign based on one or more of the following criteria: it is a conservative change, it occurs at a poorly conserved position in the protein, it is predicted to be benign by multiple in silico algorithms, and/or has population frequency not consistent with disease.

NM_001371279.1(REEP1):c.32+19C>G

Gene: REEP1 (receptor accessory protein 1; minus strand). Cytogenetic location: 2p11.2.
Variant type: single nucleotide variant.
Coding change: c.32+19C>G on transcript NM_001371279.1 (MANE Select); 19 bases into the intron after coding-DNA position 32, C replaced by G.
Molecular consequence: intron variant.
Genome position (GRCh38, 1-based): chr2:86,337,460, G>C on the plus strand (C>G on the coding strand, the complement: REEP1 is on the minus strand). VCF-style: chr2-86337460-G-C. GRCh37 (hg19) VCF-style: chr2-86564583-G-C.
Other names: c.53+564C>G (NM_001164730.2); c.24+19C>G (NM_001164731.2); c.32+19C>G (NM_001164732.2, NM_001371280.1, NM_022912.3).
Identifiers: ClinVar variation 379684 (VCV000379684.9), dbSNP rs536482080, ClinGen allele CA1748868.